The following is an entry in ClinVar:

ClinVar aggregate classification (germline): Uncertain significance (1 of 4 stars; one submission).

Allele frequency attached by ClinVar (database versions not stated): ExAC 0.00001; gnomAD exomes 0.00001; ESP Exome Variant Server 0.00008.
gnomAD v4.1: 7 of 1,613,450 alleles (0.00043%); highest among the groups gnomAD compares: Admixed American, 0.0033%; no homozygotes.

Submission:

Labcorp Genetics (formerly Invitae), Labcorp
Classification: Uncertain significance. Last evaluated: 2021-08-26. Review status: criteria provided, single submitter. Criteria: Invitae Variant Classification Sherloc (09022015). Collection method: clinical testing. Allele origin: germline.
Comment: This sequence change replaces arginine with glutamine at codon 284 of the C8B protein (p.Arg284Gln). The arginine residue is highly conserved and there is a small physicochemical difference between arginine and glutamine. This variant is present in population databases (rs202207968, ExAC 0.01%). This variant has not been reported in the literature in individuals affected with C8B-related conditions. Algorithms developed to predict the effect of missense changes on protein structure and function output the following: SIFT: "Tolerated"; PolyPhen-2: "Benign"; Align-GVGD: "Class C0". The glutamine amino acid residue is found in multiple mammalian species, which suggests that this missense change does not adversely affect protein function. In summary, the available evidence is currently insufficient to determine the role of this variant in disease. Therefore, it has been classified as a Variant of Uncertain Significance.

NM_000066.4(C8B):c.851G>A (p.Arg284Gln)

Gene: C8B (complement C8 beta chain; minus strand). Cytogenetic location: 1p32.2.
Variant type: single nucleotide variant.
Coding change: c.851G>A on transcript NM_000066.4 (MANE Select); coding-DNA position 851, G replaced by A.
Protein change: p.Arg284Gln; replaces arginine 284 with glutamine.
Molecular consequence: missense variant.
Genome position (GRCh38, 1-based): chr1:56,949,568, C>T on the plus strand (G>A on the coding strand, the complement: C8B is on the minus strand). VCF-style: chr1-56949568-C-T. GRCh37 (hg19) VCF-style: chr1-57415241-C-T.
Other names: c.695G>A, p.Arg232Gln (NM_001278543.2); c.665G>A, p.Arg222Gln (NM_001278544.2); short protein forms R232Q, R222Q, R284Q.
Identifiers: ClinVar variation 1396700 (VCV001396700.5), dbSNP rs202207968, ClinGen allele CA875843.